The following is an entry in ClinVar:

ClinVar aggregate classification (germline): Uncertain significance (1 of 4 stars; one submission).

Allele frequency attached by ClinVar (database versions not stated): TOPMed below 0.00001.
gnomAD v4.1: 4 of 1,613,584 alleles (0.00025%); highest among the groups gnomAD compares: Non-Finnish European, 0.00034%; no homozygotes.

Submission:

Labcorp Genetics (formerly Invitae), Labcorp
Classification: Uncertain significance. Last evaluated: 2021-08-30. Review status: criteria provided, single submitter. Criteria: Invitae Variant Classification Sherloc (09022015). Collection method: clinical testing. Allele origin: germline.
Comment: This sequence change replaces isoleucine with threonine at codon 179 of the PCDH15 protein (p.Ile179Thr). The isoleucine residue is highly conserved and there is a moderate physicochemical difference between isoleucine and threonine. This variant is not present in population databases (ExAC no frequency). This variant has not been reported in the literature in individuals affected with PCDH15-related conditions. Algorithms developed to predict the effect of missense changes on protein structure and function are either unavailable or do not agree on the potential impact of this missense change (SIFT: "Tolerated"; PolyPhen-2: "Probably Damaging"; Align-GVGD: "Class C0"). In summary, the available evidence is currently insufficient to determine the role of this variant in disease. Therefore, it has been classified as a Variant of Uncertain Significance.

NM_001384140.1(PCDH15):c.536T>C (p.Ile179Thr)

Gene: PCDH15 (protocadherin related 15; minus strand). Cytogenetic location: 10q21.1.
Variant type: single nucleotide variant.
Coding change: c.536T>C on transcript NM_001384140.1 (MANE Select); coding-DNA position 536, T replaced by C.
Protein change: p.Ile179Thr; replaces isoleucine 179 with threonine.
Molecular consequence: missense variant.
Genome position (GRCh38, 1-based): chr10:54,346,423, A>G on the plus strand (T>C on the coding strand, the complement: PCDH15 is on the minus strand). VCF-style: chr10-54346423-A-G. GRCh37 (hg19) VCF-style: chr10-56106183-A-G.
Other names: c.551T>C, p.Ile184Thr (NM_001142763.2, NM_001142769.4, NM_001142771.2); c.470T>C, p.Ile157Thr (NM_001142773.2, NM_001354404.2, NM_001142768.2); c.536T>C, p.Ile179Thr (NM_001354411.2, NM_001354420.2, NM_001354429.2 and 8 more transcripts); short protein forms I157T, I179T, I184T.
Identifiers: ClinVar variation 957413 (VCV000957413.7), dbSNP rs750822290, ClinGen allele CA376541710.